The following is an entry in ClinVar:

ClinVar aggregate classification (germline): Pathogenic/Likely pathogenic. Review status: criteria provided, multiple submitters, no conflicts (2 of 4 stars). 10 submissions from 10 submitters: Pathogenic (2); Likely pathogenic (7). 1 of the submissions does not count toward it. Last evaluated 2025-09-05.

Conditions:
USH2A-related disorder. Also called: USH2A-related condition; USH2A-related disorders. Identifiers: MedGen CN239332.
Retinitis pigmentosa 39 (RP39). Identifiers: Orphanet 791, MedGen C3151138, MONDO:0013436, OMIM 613809.
Usher syndrome type 2A. Also called: RETINAL DISEASE IN USHER SYNDROME TYPE IIA, MODIFIER OF; USHER SYNDROME, TYPE IIA. Identifiers: Orphanet 231178, Orphanet 886, MedGen C1848634, MONDO:0010169, OMIM 276901.
Usher syndrome. Also called: Usher Syndromes; Usher's syndrome. Identifiers: Orphanet 886, MedGen CN469326, MeSH D052245, MONDO:0019501. Disease mechanism: loss of function.
Retinitis pigmentosa (RP). Identifiers: Orphanet 791, MedGen C0035334, MeSH D012174, MONDO:0019200, OMIM 268000. Inheritance: Autosomal dominant, autosomal recessive and X linked inheritance.

Allele frequency attached by ClinVar (database versions not stated): TOPMed 0.00001.

Submissions (10):

3billion
Classification: Likely pathogenic for Usher syndrome type 2A. Last evaluated: 2025-09-05. Review status: criteria provided, single submitter. Criteria: ACMG Guidelines, 2015. Collection method: clinical testing. Allele origin: germline. Affected: yes.
Comment: The variant is not observed in the gnomAD v4.1.0 dataset. Predicted Consequence/Location: Missense variant In silico tool predictions suggest damaging effect of the variant on gene or gene product [REVEL: 0.64 (>=0.6, sensitivity 0.68 and specificity 0.92)]. The same nucleotide change resulting in the same amino acid change has been previously reported as pathogenic/likely pathogenic with strong evidence (ClinVar ID: VCV000438037 /PMID: 25133613 /3billion dataset). A different missense change at the same codon (p.Gly3320Asp) has been reported to be associated with USH2A-related disorder (PMID: 26927203). Therefore, this variant is classified as Likely pathogenic according to the recommendation of ACMG/AMP guideline.

PreventionGenetics, part of Exact Sciences
Classification: Likely pathogenic for USH2A-related condition. Last evaluated: 2025-05-29. Review status: criteria provided, single submitter. Criteria: ACMG Guidelines, 2015. Collection method: clinical testing. Allele origin: germline.
Comment: The USH2A c.9958G>T variant is predicted to result in the amino acid substitution p.Gly3320Cys. This variant has been observed together with c.8284C>G, p.(Pro2762Ala) (in cis as a complex allele, in trans, and phase unknown) along with a third causative USH2A variant in individuals with USH2A-related conditions (see for example, Table S2, Zhu et al. 2020. PubMed ID: 32675063; Table S4 & 7, Liu et al. 2020. PubMed ID: 33090715; Table S4, Sun et al. 2018. PubMed ID: 29625443; Wang et al. 2025. doi: 10.1155/humu/6391770; Table S3, Ogorodova et al. 2024. PubMed ID: 39596236; Table S2, Li et al. 2022. PubMed ID: 36110214; Meng et al. 2020. PubMed ID: 33124170). Additionally, these two variants, p.(Gly3320Cys) and p.(Pro2762Ala), have been reported in the homozygous state in an individual with RP (Chen et al. 2014. PubMed ID: 25133613). This variant has also been observed along with a second causative USH2A variant or in trans with c.8284C>G, p.(Pro2762Ala) without a third USH2A variant in individuals with USH2A-related conditions (Dan et al. 2020. PubMed ID: 31960602; Table S2, Zhu et al. 2020. PubMed ID: 32675063; Jiang et al. 2015. PubMed ID: 26338283). This variant is predicted to alter splicing based on available splicing prediction programs (SpliceAI, Jaganathan et al. 2019. PubMed ID: 30661751). Minigene analysis demonstrated that in addition to normally spliced mRNA, splicing products that skip exon 50 or remove 61 nucleotides of the exon are also produced (Reurink et al. 2022. PubMed ID: 36362125). This variant has not been reported in a large population database (gnomAD), indicating this variant is rare. Given the evidence, we interpret c.9958G>T, p.(Gly3320Cys) both alone and as a part of the complex allele p.[Gly3320Cys;Pro2762Ala] as likely pathogenic.

Women's Health and Genetics/Laboratory Corporation of America, LabCorp
Classification: Pathogenic for Usher syndrome. Last evaluated: 2024-07-12. Review status: criteria provided, single submitter. Criteria: LabCorp Variant Classification Summary - May 2015. Collection method: clinical testing. Allele origin: germline.
Comment: Variant summary: USH2A c.9958G>T (p.Gly3320Cys) results in a non-conservative amino acid change located in the Fibronectin type III domain (IPR003961) of the encoded protein sequence. Four of five in-silico tools predict a damaging effect of the variant on protein function. Several computational tools predict a significant impact on normal splicing: Four predict the variant weakens a 5' donor site and three predict the variant abolishes a 5' splicing donor site. At least one publication reports experimental evidence that this variant affects mRNA splicing and results in partial or whole exon 50 skipping (Reurink_2022). The variant was absent in 251248 control chromosomes. c.9958G>T has been reported in the literature as homozygous or compound heterozygous genotype in individuals affected with clinical features of Usher Syndrome (Chen_2014, Sun_2018, Dan_2020, Liu_2021). These data indicate that the variant is likely to be associated with disease. The following publications have been ascertained in the context of this evaluation (PMID: 25133613, 31960602, 33090715, 36362125, 29625443). ClinVar contains an entry for this variant (Variation ID: 438037). Based on the evidence outlined above, the variant was classified as pathogenic.

Natera, Inc.
Classification: Likely pathogenic for Usher syndrome type 2A. Last evaluated: 2024-06-28. Review status: criteria provided, single submitter. Criteria: Natera Variant Classification Schema (03/2026). Collection method: clinical testing. Allele origin: germline.
Comment: The c.9958G>T variant in USH2A is a missense variant predicted to cause substitution of glycine to cysteine at amino acid 3320. This variant is rare in the general population with a frequency below the threshold expected for the associated phenotype(s). This variant has been observed in one or more individuals affected with the associated recessive disease, as either homozygous or compound heterozygous with a second variant (PMID: 26338283, 32675063, 24938718, 32188678). Computational prediction algorithms indicate this variant is likely to affect gene or protein function. Given the available evidence, this variant is classified as Likely Pathogenic.

Baylor Genetics
Classification: Likely pathogenic for Retinitis pigmentosa 39. Last evaluated: 2024-01-19. Review status: criteria provided, single submitter. Criteria: ACMG Guidelines, 2015. Collection method: clinical testing. Allele origin: unknown.

Labcorp Genetics (formerly Invitae), Labcorp
Classification: Pathogenic. Last evaluated: 2023-11-27. Review status: criteria provided, single submitter. Criteria: Invitae Variant Classification Sherloc (09022015). Collection method: clinical testing. Allele origin: germline.
Comment: This sequence change replaces glycine, which is neutral and non-polar, with cysteine, which is neutral and slightly polar, at codon 3320 of the USH2A protein (p.Gly3320Cys). This variant also falls at the last nucleotide of exon 50, which is part of the consensus splice site for this exon. This variant is not present in population databases (gnomAD no frequency). This missense change has been observed in individual(s) with retinitis pigmentosa and Usher syndrome (PMID: 26338283, 29625443, 31960602, 32188678, 32675063). In at least one individual the data is consistent with being in trans (on the opposite chromosome) from a pathogenic variant. ClinVar contains an entry for this variant (Variation ID: 438037). An algorithm developed to predict the effect of missense changes on protein structure and function (PolyPhen-2) suggests that this variant is likely to be disruptive. Variants that disrupt the consensus splice site are a relatively common cause of aberrant splicing (PMID: 17576681, 9536098). Studies have shown that this missense change is associated with altered splicing resulting in multiple RNA products (PMID: 36362125). For these reasons, this variant has been classified as Pathogenic.

Genome-Nilou Lab
Classification: Likely pathogenic for Retinitis pigmentosa 39. Last evaluated: 2023-11-04. Review status: criteria provided, single submitter. Criteria: ACMG Guidelines, 2015. Collection method: clinical testing. Allele origin: germline. Affected: no.

Ocular Genomics Institute, Massachusetts Eye and Ear
Classification: Likely pathogenic for Retinitis pigmentosa 39. Last evaluated: 2021-04-08. Review status: criteria provided, single submitter. Criteria: ACMG Guidelines, 2015. Collection method: research. Allele origin: germline. Affected: yes.
Comment: Through a review of available evidence we were able to apply the following criteria: PS1, PM2, PM3. Based on this evidence we have classified this variant as Likely Pathogenic.

Juno Genomics, Hangzhou Juno Genomics, Inc
Classification: Likely pathogenic for Usher syndrome type 2A; Retinitis pigmentosa 39. Review status: criteria provided, single submitter. Criteria: ACMG Guidelines, 2015. Collection method: clinical testing. Allele origin: germline.
Comment: Absent from controls (or at extremely low frequency if recessive) in Genome Aggregation Database.;For recessive disorders, detected in trans with a pathogenic variant.;Patient's phenotype or family history is highly specific for a disease with a single genetic etiology.

NIHR Bioresource Rare Diseases, University of Cambridge
Classification: Uncertain significance for Retinitis pigmentosa. Last evaluated: 2015-01-01. Review status: flagged submission. Collection method: research. Allele origin: unknown. Affected: yes. Observed: 1 variant allele. Not counted in ClinVar's aggregate classification.
ClinVar note: Reason: Older and outlier claim with insufficient supporting evidence

Literature cited by the submitters: PubMed 25133613 (cited by 4 submitters); PubMed 26927203 (cited by 3billion); PubMed 31960602 (cited by Women's Health and Genetics/Laboratory Corporation of America, LabCorp and Labcorp Genetics (formerly Invitae), Labcorp); PubMed 29625443 (cited by 3 submitters); PubMed 33090715 (cited by Women's Health and Genetics/Laboratory Corporation of America, LabCorp); PubMed 36362125 (cited by Women's Health and Genetics/Laboratory Corporation of America, LabCorp and Labcorp Genetics (formerly Invitae), Labcorp); PubMed 26338283 (cited by Natera, Inc. and Labcorp Genetics (formerly Invitae), Labcorp); PubMed 32675063 (cited by Natera, Inc. and Labcorp Genetics (formerly Invitae), Labcorp); PubMed 24938718 (cited by Natera, Inc.); PubMed 32188678 (cited by Natera, Inc. and Labcorp Genetics (formerly Invitae), Labcorp); PubMed 17576681 (cited by Labcorp Genetics (formerly Invitae), Labcorp); PubMed 9536098 (cited by Labcorp Genetics (formerly Invitae), Labcorp); PubMed 28041643 (cited by NIHR Bioresource Rare Diseases, University of Cambridge).

NM_206933.4(USH2A):c.9958G>T (p.Gly3320Cys)

Gene: USH2A (usherin; minus strand). Cytogenetic location: 1q41.
Variant type: single nucleotide variant.
Coding change: c.9958G>T on transcript NM_206933.4 (MANE Select); coding-DNA position 9958, G replaced by T.
Protein change: p.Gly3320Cys; replaces glycine 3320 with cysteine.
Molecular consequence: missense variant.
Genome position (GRCh38, 1-based): chr1:215,798,907, C>A on the plus strand (G>T on the coding strand, the complement: USH2A is on the minus strand). VCF-style: chr1-215798907-C-A. GRCh37 (hg19) VCF-style: chr1-215972249-C-A.
Other names: short protein forms G3320C.
Identifiers: ClinVar variation 438037 (VCV000438037.21), dbSNP rs1285853856, ClinGen allele CA344848146.